The following is an entry in ClinVar:

NM_153816.6(SNX14):c.635-6C>G

Gene: SNX14 (sorting nexin 14; minus strand). Cytogenetic location: 6q14.3.
Variant type: single nucleotide variant.
Coding change: c.635-6C>G on transcript NM_153816.6 (MANE Select); 6 bases into the intron before coding-DNA position 635, C replaced by G.
Molecular consequence: intron variant.
Genome position (GRCh38, 1-based): chr6:85,549,885, G>C on the plus strand (C>G on the coding strand, the complement: SNX14 is on the minus strand). VCF-style: chr6-85549885-G-C. GRCh37 (hg19) VCF-style: chr6-86259603-G-C.
Other names: c.344-6C>G (NM_001350543.2); c.476-6C>G (NM_001350539.2); c.347-6C>G (NM_001350542.2); c.191-6C>G (NM_001350546.2, NM_001350545.2); c.-416-6C>G (NM_001350547.2); c.479-150C>G (NM_001350544.2); c.-517-6C>G (NM_001350553.2, NM_001350549.2, NM_001350548.2 and 2 more transcripts); c.479-6C>G (NM_001304479.2); and 7 more.
Identifiers: ClinVar variation 1992572 (VCV001992572.4), dbSNP rs2536101826, ClinGen allele CA2580075935.

ClinVar aggregate classification (germline): Uncertain significance (1 of 4 stars; one submission).

Submission:

Labcorp Genetics (formerly Invitae), Labcorp
Classification: Uncertain significance. Last evaluated: 2024-08-06. Review status: criteria provided, single submitter. Criteria: Invitae Variant Classification Sherloc (09022015). Collection method: clinical testing. Allele origin: germline.
Comment: This sequence change falls in intron 7 of the SNX14 gene. It does not directly change the encoded amino acid sequence of the SNX14 protein. This variant is not present in population databases (gnomAD no frequency). This variant has not been reported in the literature in individuals affected with SNX14-related conditions. ClinVar contains an entry for this variant (Variation ID: 1992572). Algorithms developed to predict the effect of sequence changes on RNA splicing suggest that this variant may disrupt the consensus splice site. In summary, the available evidence is currently insufficient to determine the role of this variant in disease. Therefore, it has been classified as a Variant of Uncertain Significance.